The following is an entry in ClinVar:

NM_001166114.2(PNPLA6):c.1726G>A (p.Ala576Thr)

Gene: PNPLA6 (patatin like domain 6, lysophospholipase; plus strand). Cytogenetic location: 19p13.2.
Variant type: single nucleotide variant.
Coding change: c.1726G>A on transcript NM_001166114.2 (MANE Select); coding-DNA position 1726, G replaced by A.
Protein change: p.Ala576Thr; replaces alanine 576 with threonine.
Molecular consequence: missense variant.
Genome position (GRCh38, 1-based): chr19:7,550,024, G>A. VCF-style: chr19-7550024-G-A. GRCh37 (hg19) VCF-style: chr19-7614910-G-A.
Other names: c.1753G>A, p.Ala585Thr (NM_001166111.2); c.1531G>A, p.Ala511Thr (NM_001166112.2); c.1609G>A, p.Ala537Thr (NM_001166113.1, NM_006702.5); short protein forms A511T, A537T, A576T, A585T.
Identifiers: ClinVar variation 4281471 (VCV004281471.7).

ClinVar aggregate classification (germline): Uncertain significance (1 of 4 stars; one submission).

Submission:

CeGaT Center for Human Genetics Tuebingen
Classification: Uncertain significance. Last evaluated: 2025-09-01. Review status: criteria provided, single submitter. Criteria: CeGaT Center For Human Genetics Tuebingen Variant Classification Criteria Version 2. Collection method: clinical testing. Allele origin: germline. Affected: yes. Observed: 1 variant allele.
Comment: PNPLA6: PM2, PP2, PP3